The following is an entry in ClinVar:

ClinVar aggregate classification (germline): Pathogenic (1 of 4 stars; one submission).

Conditions:
Oculocerebrofacial syndrome, Kaufman type. Also called: Blepharophimosis-ptosis-intellectual disability syndrome. Identifiers: Orphanet 2707, MedGen C1855663, MONDO:0009485, OMIM 244450.

Allele frequency attached by ClinVar (database versions not stated): TOPMed below 0.00001.

Submission:

Illumina Laboratory Services, Illumina
Classification: Pathogenic for Oculocerebrofacial syndrome, Kaufman type. Last evaluated: 2018-02-07. Review status: criteria provided, single submitter. Criteria: ICSLVariantClassificationCriteria RUGD 01 April 2020. Collection method: clinical testing. Allele origin: unknown.
Comment: The UBE3B c.518C>A p.(Ser173Ter) nonsense variant is expected to result in the loss. To our knowledge, this variant has not been reported in the peer-reviewed literature. This variant is not observed in version 2.1.1 of the Genome Aggregation Database. Based on the available evidence, the c.518C>A p.(Ser173Ter) variant is classified as pathogenic for Kaufman oculocerebrofacial syndrome.

NM_130466.4(UBE3B):c.518C>A (p.Ser173Ter)

Gene: UBE3B (ubiquitin protein ligase E3B; plus strand). Cytogenetic location: 12q24.11.
Variant type: single nucleotide variant.
Coding change: c.518C>A on transcript NM_130466.4 (MANE Select); coding-DNA position 518, C replaced by A.
Protein change: p.Ser173Ter; replaces serine 173 with a stop codon.
Molecular consequence: nonsense.
Genome position (GRCh38, 1-based): chr12:109,488,642, C>A. VCF-style: chr12-109488642-C-A. GRCh37 (hg19) VCF-style: chr12-109926447-C-A.
Other names: c.518C>A, p.Ser173Ter (NM_001270449.2, NM_001270450.2, NM_001270451.2 and 1 more transcripts); short protein forms S173*.
Identifiers: ClinVar variation 3062052 (VCV003062052.1), dbSNP rs1198932029, ClinGen allele CA386631477.